The following is an entry in ClinVar:

ClinVar aggregate classification (germline): Conflicting classifications of pathogenicity. Review status: criteria provided, conflicting classifications (1 of 4 stars). 3 submissions from 3 submitters: Uncertain significance (1); Likely benign (2). Last evaluated 2023-04-10.

Conditions:
Intellectual developmental disorder, autosomal dominant 63, with macrocephaly. Also called: MENTAL RETARDATION, AUTOSOMAL DOMINANT 63, WITH MACROCEPHALY. Identifiers: MedGen C5394205, MONDO:0032939, OMIM 618825.
Inborn genetic diseases. Identifiers: MedGen C0950123, MeSH D030342.

Allele frequency attached by ClinVar (database versions not stated): gnomAD 0.00003; TOPMed 0.00010; ESP Exome Variant Server 0.00023.
gnomAD v4.1: 153 of 1,614,044 alleles (0.0095%); highest among the groups gnomAD compares: Non-Finnish European, 0.011%; no homozygotes.

Submissions (3):

Ambry Genetics
Classification: Likely benign for Inborn genetic diseases. Last evaluated: 2023-04-10. Review status: criteria provided, single submitter. Criteria: Ambry Variant Classification Scheme 2023. Collection method: clinical testing. Allele origin: germline.

New York Genome Center
Classification: Uncertain significance for Intellectual developmental disorder, autosomal dominant 63, with macrocephaly. Last evaluated: 2020-11-12. Review status: criteria provided, single submitter. Criteria: NYGC Assertion Criteria 2020. Collection method: clinical testing. Allele origin: inherited. Observed: 1 heterozygote. Study: CSER-NYCKidSeq.

GeneDx
Classification: Likely benign. Last evaluated: 2017-10-18. Review status: criteria provided, single submitter. Criteria: GeneDx Variant Classification (06012015). Collection method: clinical testing. Allele origin: germline. Affected: yes.
Comment: This variant is considered likely benign or benign based on one or more of the following criteria: it is a conservative change, it occurs at a poorly conserved position in the protein, it is predicted to be benign by multiple in silico algorithms, and/or has population frequency not consistent with disease.

NM_007118.4(TRIO):c.8027A>G (p.Asn2676Ser)

Genes: TRIO (trio Rho guanine nucleotide exchange factor; plus strand), LOC126807323 (CDK7 strongly-dependent group 2 enhancer GRCh37_chr5:14497716-14498915; plus strand). Cytogenetic location: 5p15.2.
Variant type: single nucleotide variant.
Coding change: c.8027A>G on transcript NM_007118.4 (MANE Select); coding-DNA position 8027, A replaced by G.
Protein change: p.Asn2676Ser; replaces asparagine 2676 with serine.
Molecular consequence: missense variant. On other transcripts: non-coding transcript variant (1).
Genome position (GRCh38, 1-based): chr5:14,497,854, A>G. VCF-style: chr5-14497854-A-G. GRCh37 (hg19) VCF-style: chr5-14497963-A-G.
Other names: short protein forms N2676S.
Identifiers: ClinVar variation 516767 (VCV000516767.4), dbSNP rs150431198, ClinGen allele CA3207705.